The following is an entry in ClinVar:

ClinVar aggregate classification (germline): Conflicting classifications of pathogenicity. Review status: criteria provided, conflicting classifications (1 of 4 stars). 3 submissions from 3 submitters: Uncertain significance (2); Likely benign (1). Last evaluated 2023-03-23.

Conditions:
Hereditary cancer-predisposing syndrome. Also called: Tumor predisposition; Hereditary Cancer Syndrome; Neoplastic Syndromes, Hereditary; Hereditary neoplastic syndrome. Identifiers: Orphanet 140162, MedGen C0027672, MeSH D009386, MONDO:0015356.
Hereditary breast ovarian cancer syndrome. Also called: Hereditary breast and ovarian cancer syndrome; Hereditary breast and ovarian cancer; Hereditary breast and ovarian cancer syndrome (HBOC); Hereditary breast and/or ovarian cancer syndrome; Breast and ovarian cancer; BRCA1- and BRCA2-Associated Hereditary Breast and Ovarian Cancer. Identifiers: Orphanet 145, MedGen C0677776, MeSH D061325, MONDO:0003582. Disease mechanism: loss of function.

Submissions (3):

University of Washington Department of Laboratory Medicine, University of Washington
Classification: Likely benign for Hereditary cancer-predisposing syndrome. Last evaluated: 2023-03-23. Review status: criteria provided, single submitter. Criteria: Dines et al. (Genet Med. 2020). Collection method: curation. Allele origin: germline.
Comment: Missense variant in a coldspot region where missense variants are very unlikely to be pathogenic (PMID:31911673).

BRCA2 exon 11 coldspot. Reclassification based on statistical prior probability.

Labcorp Genetics (formerly Invitae), Labcorp
Classification: Uncertain significance for Hereditary breast ovarian cancer syndrome. Last evaluated: 2022-12-06. Review status: criteria provided, single submitter. Criteria: Invitae Variant Classification Sherloc (09022015). Collection method: clinical testing. Allele origin: germline.
Comment: This variant has not been reported in the literature in individuals affected with BRCA2-related conditions. In summary, the available evidence is currently insufficient to determine the role of this variant in disease. Therefore, it has been classified as a Variant of Uncertain Significance. Advanced modeling of protein sequence and biophysical properties (such as structural, functional, and spatial information, amino acid conservation, physicochemical variation, residue mobility, and thermodynamic stability) performed at Invitae indicates that this missense variant is not expected to disrupt BRCA2 protein function. ClinVar contains an entry for this variant (Variation ID: 1332297). This variant is not present in population databases (gnomAD no frequency). This sequence change replaces isoleucine, which is neutral and non-polar, with valine, which is neutral and non-polar, at codon 1485 of the BRCA2 protein (p.Ile1485Val).

Color Diagnostics, LLC DBA Color Health
Classification: Uncertain significance for Hereditary cancer-predisposing syndrome. Last evaluated: 2021-04-05. Review status: criteria provided, single submitter. Criteria: ACMG Guidelines, 2015. Collection method: clinical testing. Allele origin: germline.
Comment: This missense variant replaces isoleucine with valine at codon 1485 of the BRCA2 protein. Computational prediction suggests that this variant may not impact protein structure and function (internally defined REVEL score threshold <= 0.5, PMID: 27666373). To our knowledge, functional studies have not been reported for this variant. This variant has not been reported in individuals affected with hereditary cancer in the literature. This variant has not been identified in the general population by the Genome Aggregation Database (gnomAD). The available evidence is insufficient to determine the role of this variant in disease conclusively. Therefore, this variant is classified as a Variant of Uncertain Significance.

NM_000059.4(BRCA2):c.4453A>G (p.Ile1485Val)

Gene: BRCA2 (BRCA2 DNA repair associated; plus strand). Cytogenetic location: 13q13.1.
Variant type: single nucleotide variant.
Coding change: c.4453A>G on transcript NM_000059.4 (MANE Select); coding-DNA position 4453, A replaced by G.
Protein change: p.Ile1485Val; replaces isoleucine 1485 with valine.
Molecular consequence: missense variant.
Genome position (GRCh38, 1-based): chr13:32,338,808, A>G. VCF-style: chr13-32338808-A-G. GRCh37 (hg19) VCF-style: chr13-32912945-A-G.
Other names: short protein forms I1485V.
Identifiers: ClinVar variation 1332297 (VCV001332297.9), dbSNP rs2072504654, ClinGen allele CA387781381.